The following is an entry in ClinVar:

NM_002887.4(RARS1):c.1715G>A (p.Trp572Ter)

Gene: RARS1 (arginyl-tRNA synthetase 1; plus strand). Cytogenetic location: 5q34.
Variant type: single nucleotide variant.
Coding change: c.1715G>A on transcript NM_002887.4 (MANE Select); coding-DNA position 1715, G replaced by A.
Protein change: p.Trp572Ter; replaces tryptophan 572 with a stop codon.
Molecular consequence: nonsense.
Genome position (GRCh38, 1-based): chr5:168,517,904, G>A. VCF-style: chr5-168517904-G-A. GRCh37 (hg19) VCF-style: chr5-167944909-G-A.
Other names: short protein forms W572*.
Identifiers: ClinVar variation 2036640 (VCV002036640.4), dbSNP rs2533404521, ClinGen allele CA362086395.

ClinVar aggregate classification (germline): Pathogenic (1 of 4 stars; one submission).

Submission:

Labcorp Genetics (formerly Invitae), Labcorp
Classification: Pathogenic. Last evaluated: 2022-10-23. Review status: criteria provided, single submitter. Criteria: Invitae Variant Classification Sherloc (09022015). Collection method: clinical testing. Allele origin: germline.
Comment: This variant is not present in population databases (gnomAD no frequency). This sequence change creates a premature translational stop signal (p.Trp572*) in the RARS gene. It is expected to result in an absent or disrupted protein product. Loss-of-function variants in RARS are known to be pathogenic (PMID: 24777941). This variant has not been reported in the literature in individuals affected with RARS-related conditions. For these reasons, this variant has been classified as Pathogenic.

Literature cited by the submitters: PubMed 24777941.